The following is an entry in ClinVar:

ClinVar aggregate classification (germline): Uncertain significance. Review status: criteria provided, multiple submitters, no conflicts (2 of 4 stars). 2 submissions from 2 submitters: Uncertain significance (2). Last evaluated 2023-07-03.

Conditions:
Inborn genetic diseases. Identifiers: MedGen C0950123, MeSH D030342.
Inflammatory bowel disease 28. Also called: Inflammatory bowel disease 28, early onset, autosomal recessive. Identifiers: Orphanet 238569, MedGen C2751053, MONDO:0013153, OMIM 613148.

Allele frequency attached by ClinVar (database versions not stated): gnomAD 0.00001; gnomAD exomes 0.00001; ExAC 0.00003; TOPMed 0.00003.
gnomAD v4.1: 18 of 1,613,646 alleles (0.0011%); highest among the groups gnomAD compares: East Asian, 0.036%; no homozygotes.

Submissions (2):

Labcorp Genetics (formerly Invitae), Labcorp
Classification: Uncertain significance for Inflammatory bowel disease 28. Last evaluated: 2023-07-03. Review status: criteria provided, single submitter. Criteria: Invitae Variant Classification Sherloc (09022015). Collection method: clinical testing. Allele origin: germline.
Comment: Algorithms developed to predict the effect of sequence changes on RNA splicing suggest that this variant may disrupt the consensus splice site. In summary, the available evidence is currently insufficient to determine the role of this variant in disease. Therefore, it has been classified as a Variant of Uncertain Significance. An algorithm developed to predict the effect of missense changes on protein structure and function (PolyPhen-2) suggests that this variant¬†is likely to be tolerated. ClinVar contains an entry for this variant (Variation ID: 2082988). This variant has not been reported in the literature in individuals affected with IL10RA-related conditions. This variant is present in population databases (rs772622916, gnomAD 0.05%). This sequence change replaces arginine, which is basic and polar, with glycine, which is neutral and non-polar, at codon 63 of the IL10RA protein (p.Arg63Gly).

Ambry Genetics
Classification: Uncertain significance for Inborn genetic diseases. Last evaluated: 2022-06-24. Review status: criteria provided, single submitter. Criteria: Ambry Variant Classification Scheme 2023. Collection method: clinical testing. Allele origin: germline.

NM_001558.4(IL10RA):c.187A>G (p.Arg63Gly)

Gene: IL10RA (interleukin 10 receptor subunit alpha; plus strand). Cytogenetic location: 11q23.3.
Variant type: single nucleotide variant.
Coding change: c.187A>G on transcript NM_001558.4 (MANE Select); coding-DNA position 187, A replaced by G.
Protein change: p.Arg63Gly; replaces arginine 63 with glycine.
Molecular consequence: missense variant. On other transcripts: non-coding transcript variant (1).
Genome position (GRCh38, 1-based): chr11:117,988,501, A>G. VCF-style: chr11-117988501-A-G. GRCh37 (hg19) VCF-style: chr11-117859216-A-G.
Other names: short protein forms R63G.
Identifiers: ClinVar variation 2082988 (VCV002082988.3), dbSNP rs772622916, ClinGen allele CA6298852.